The following is an entry in ClinVar:

NM_001347721.2(DYRK1A):c.848A>G (p.Asn283Ser)

Gene: DYRK1A (dual specificity tyrosine phosphorylation regulated kinase 1A; plus strand). Cytogenetic location: 21q22.13.
Variant type: single nucleotide variant.
Coding change: c.848A>G on transcript NM_001347721.2 (MANE Select); coding-DNA position 848, A replaced by G.
Protein change: p.Asn283Ser; replaces asparagine 283 with serine.
Molecular consequence: missense variant.
Genome position (GRCh38, 1-based): chr21:37,490,385, A>G. VCF-style: chr21-37490385-A-G. GRCh37 (hg19) VCF-style: chr21-38862687-A-G.
Other names: c.848A>G, p.Asn283Ser (NM_001347722.2, NM_130436.2); c.761A>G, p.Asn254Ser (NM_001347723.2); c.875A>G, p.Asn292Ser (NM_001396.5, NM_101395.2, NM_130438.2); short protein forms N254S, N283S, N292S.
Identifiers: ClinVar variation 1717753 (VCV001717753.6), dbSNP rs2518028480, ClinGen allele CA409947755.

ClinVar aggregate classification (germline): Uncertain significance (1 of 4 stars; one submission).

Conditions:
DYRK1A-related intellectual disability syndrome (MRD7). Also called: DYRK1A Syndrome; Intellectual developmental disorder, autosomal dominant 7. Identifiers: Orphanet 464306, MedGen C5568143, MONDO:0013578, OMIM 614104.

Submission:

Labcorp Genetics (formerly Invitae), Labcorp
Classification: Uncertain significance for DYRK1A-related intellectual disability syndrome. Last evaluated: 2022-08-30. Review status: criteria provided, single submitter. Criteria: Invitae Variant Classification Sherloc (09022015). Collection method: clinical testing. Allele origin: germline.
Comment: In summary, the available evidence is currently insufficient to determine the role of this variant in disease. Therefore, it has been classified as a Variant of Uncertain Significance. Advanced modeling of protein sequence and biophysical properties (such as structural, functional, and spatial information, amino acid conservation, physicochemical variation, residue mobility, and thermodynamic stability) performed at Invitae indicates that this missense variant is expected to disrupt DYRK1A protein function. This variant has not been reported in the literature in individuals affected with DYRK1A-related conditions. This variant is not present in population databases (gnomAD no frequency). This sequence change replaces asparagine, which is neutral and polar, with serine, which is neutral and polar, at codon 292 of the DYRK1A protein (p.Asn292Ser).